The following is an entry in ClinVar:

ClinVar aggregate classification (germline): Likely benign (0 of 4 stars; one submission).

Conditions:
RPS6KA3-related disorder. Also called: RPS6KA3-related condition.

gnomAD v4.1: 2 of 1,162,379 alleles (0.00017%); highest among the groups gnomAD compares: Non-Finnish European, 0.00024%; no homozygotes.

Submission:

PreventionGenetics, part of Exact Sciences
Classification: Likely benign for RPS6KA3-related condition. Last evaluated: 2024-03-29. Review status: no assertion criteria provided. Collection method: clinical testing. Allele origin: germline.
Comment: This variant is classified as likely benign based on ACMG/AMP sequence variant interpretation guidelines (Richards et al. 2015 PMID: 25741868, with internal and published modifications).

NM_004586.3(RPS6KA3):c.934+9T>G

Gene: RPS6KA3 (ribosomal protein S6 kinase A3; minus strand). Cytogenetic location: Xp22.12.
Variant type: single nucleotide variant.
Coding change: c.934+9T>G on transcript NM_004586.3 (MANE Select); 9 bases into the intron after coding-DNA position 934, T replaced by G.
Molecular consequence: intron variant.
Genome position (GRCh38, 1-based): chrX:20,176,987, A>C on the plus strand (T>G on the coding strand, the complement: RPS6KA3 is on the minus strand). VCF-style: chrX-20176987-A-C. GRCh37 (hg19) VCF-style: chrX-20195105-A-C.
Identifiers: ClinVar variation 3347922 (VCV003347922.1).